The following is an entry in ClinVar:

ClinVar aggregate classification (germline): Likely pathogenic (1 of 4 stars; one submission).

Conditions:
3-Methylglutaconic aciduria type 2 (BTHS). Also called: CARDIOSKELETAL MYOPATHY WITH NEUTROPENIA AND ABNORMAL MITOCHONDRIA; Barth syndrome. Identifiers: Orphanet 111, MedGen C0574083, MONDO:0010543, OMIM 302060.

Submission:

Victorian Clinical Genetics Services, Murdoch Childrens Research Institute
Classification: Likely pathogenic for 3-Methylglutaconic aciduria type 2. Last evaluated: 2024-10-09. Review status: criteria provided, single submitter. Criteria: ACMG Guidelines, 2015. Collection method: clinical testing. Allele origin: germline. Inheritance: X-linked recessive inheritance. Affected: yes.
Comment: Based on the classification scheme VCGS_Germline_v1.1.1, this variant is classified as likely pathogenic. Following criteria are met: 0102 - Loss-of-function is a known mechanism of disease for this gene. (N) 0109 - This gene is known to be associated with X-linked recessive disease. (N) 0200 - Variant is predicted to result in a missense amino acid change from phenylalanine to isoleucine (exon 6). (N) 0253 - Variant is hemizygous. (N) 0301 - Variant is absent from gnomAD. (P) 0501 - Missense variant consistently predicted to be damaging by multiple in silico tools or highly conserved with a major amino acid change. (P) 0600 - Variant is located in an annotated domain or motif, (acyltransferase domain; PDB). (N) 0705 - No comparable variants have previous evidence for pathogenicity. (N) 0803 - Low previous evidence of pathogenicity in one family with infantile dilated cardiomyopathy (LOVD, PMID: 9382096, PMID:9792874). (P) 0903 - Low evidence for segregation with disease (PMID: 9382096, PMID:9792874). (P) 1007 - No published functional evidence has been identified for this variant. (P) Legend: (P) - Pathogenic, (N) - Neutral, (B) - Benign

Literature cited by the submitters: PubMed 9382096; PubMed 9792874.

NM_000116.5(TAFAZZIN):c.532T>A (p.Phe178Ile)

Gene: TAFAZZIN (tafazzin, phospholipid-lysophospholipid transacylase; plus strand). Cytogenetic location: Xq28.
Variant type: single nucleotide variant.
Coding change: c.532T>A on transcript NM_000116.5 (MANE Select); coding-DNA position 532, T replaced by A.
Protein change: p.Phe178Ile; replaces phenylalanine 178 with isoleucine.
Molecular consequence: missense variant. On other transcripts: non-coding transcript variant (1).
Genome position (GRCh38, 1-based): chrX:154,419,614, T>A. VCF-style: chrX-154419614-T-A. GRCh37 (hg19) VCF-style: chrX-153647953-T-A.
Other names: c.586T>A, p.Phe196Ile (NM_001303465.2); c.496T>A, p.Phe166Ile (NM_001410698.1); c.442T>A, p.Phe148Ile (NM_181311.4, NM_181313.4); c.532T>A, p.Phe178Ile (NM_181312.4); short protein forms F148I, F166I, F178I, F196I.
Identifiers: ClinVar variation 2500766 (VCV002500766.2), dbSNP rs2522985442, ClinGen allele CA415183724.